The following is an entry in ClinVar:

ClinVar aggregate classification (germline): Pathogenic. Review status: criteria provided, multiple submitters, no conflicts (2 of 4 stars). 5 submissions from 5 submitters: Pathogenic (3). 2 of the submissions do not count toward it. Last evaluated 2024-03-12.

Conditions:
Deficiency of galactokinase. Also called: GALACTOSEMIA II; Galactokinase deficiency with cataracts. Identifiers: Orphanet 352, Orphanet 79237, MedGen C0268155, MONDO:0009255, OMIM 230200.

Allele frequency attached by ClinVar (database versions not stated): gnomAD exomes 0.00002 and 0.00004; TOPMed 0.00008; gnomAD 0.00009.
gnomAD v4.1: 25 of 1,612,334 alleles (0.0016%); highest among the groups gnomAD compares: Admixed American, 0.038%; no homozygotes.

Submissions (5):

Baylor Genetics
Classification: Pathogenic for Deficiency of galactokinase. Last evaluated: 2024-03-12. Review status: criteria provided, single submitter. Criteria: ACMG Guidelines, 2015. Collection method: clinical testing. Allele origin: unknown.

Women's Health and Genetics/Laboratory Corporation of America, LabCorp
Classification: Pathogenic for Deficiency of galactokinase. Last evaluated: 2023-06-28. Review status: criteria provided, single submitter. Criteria: LabCorp Variant Classification Summary - May 2015. Collection method: clinical testing. Allele origin: germline.
Comment: Variant summary: GALK1 c.1144C>T (p.Gln382X) is located within the last exon of the gene and while it is not expected to undergo nonsense mediated decay, it results in a premature termination codon and is predicted to cause a truncation of the encoded protein, a known mechanism for disease. The variant allele was found at a frequency of 3.7e-05 in 245624 control chromosomes, almost exclusively in the Latino/Admixed American subpopulation in the gnomAD database. c.1144C>T has been reported in the literature as a biallelic genotype in multiple individuals from Costa Rica affected with Deficiency Of Galactokinase (e.g. Kolosha_2000). These data indicate that the variant is very likely to be associated with disease. At least one publication reports experimental evidence evaluating an impact on protein function and found the variant results in approximately 10% of normal activity (Kolosha_2000). The following publication has been ascertained in the context of this evaluation (PMID: 10790206). Two submitters have cited clinical-significance assessments for this variant to ClinVar after 2014 and both classified the variant as pathogenic. Based on the evidence outlined above, the variant was classified as pathogenic.

Labcorp Genetics (formerly Invitae), Labcorp
Classification: Pathogenic for Deficiency of galactokinase. Last evaluated: 2022-01-17. Review status: criteria provided, single submitter. Criteria: Invitae Variant Classification Sherloc (09022015). Collection method: clinical testing. Allele origin: germline.
Comment: This sequence change creates a premature translational stop signal (p.Gln382*) in the GALK1 gene. While this is not anticipated to result in nonsense mediated decay, it is expected to disrupt the last 11 amino acid(s) of the GALK1 protein. This variant is present in population databases (rs111033608, gnomAD 0.03%). This premature translational stop signal has been observed in individual(s) with galactokinase galactosemia (PMID: 10790206). In at least one individual the data is consistent with being in trans (on the opposite chromosome) from a pathogenic variant. This variant is also known as Q832stop. ClinVar contains an entry for this variant (Variation ID: 5631). Algorithms developed to predict the effect of variants on protein structure and function are not available or were not evaluated for this variant. Experimental studies have shown that this premature translational stop signal affects GALK1 function (PMID: 10790206). For these reasons, this variant has been classified as Pathogenic.

Counsyl
Classification: Pathogenic for Deficiency of galactokinase. Last evaluated: 2018-02-15. Review status: no assertion criteria provided. Collection method: clinical testing. Allele origin: unknown. Not counted in ClinVar's aggregate classification.

OMIM
Classification: Pathogenic for GALACTOSEMIA II. Last evaluated: 2000-01-01. Review status: no assertion criteria provided. Collection method: literature only. Allele origin: germline. Not counted in ClinVar's aggregate classification.

Literature cited by the submitters: PubMed 10790206 (cited by 4 submitters).

NM_000154.2(GALK1):c.1144C>T (p.Gln382Ter)

Gene: GALK1 (galactokinase 1; minus strand). Cytogenetic location: 17q25.1.
Variant type: single nucleotide variant.
Coding change: c.1144C>T on transcript NM_000154.2 (MANE Select); coding-DNA position 1144, C replaced by T.
Protein change: p.Gln382Ter; replaces glutamine 382 with a stop codon.
Molecular consequence: nonsense.
Genome position (GRCh38, 1-based): chr17:75,758,091, G>A on the plus strand (C>T on the coding strand, the complement: GALK1 is on the minus strand). VCF-style: chr17-75758091-G-A. GRCh37 (hg19) VCF-style: chr17-73754172-G-A.
Other names: short protein forms Q382*.
Identifiers: ClinVar variation 5631 (VCV000005631.10), dbSNP rs111033608, ClinGen allele CA117659.
Genomic context (GRCh38, chr17:75,758,091, plus strand): 5'-CACCGTGTGCTGTCCTGGGGGTGCCTCACAAGCACAGCACCTTGGCTCCATCGGCTGCTT[G>A]AGAGAGGTAGAAGGTGGCAGTCCCGCCGTAGTGCTCCTGTAAGAGGCGGGCTGGGGGTGA-3'